The following is an entry in ClinVar:

NM_001035.3(RYR2):c.6606C>T (p.Tyr2202=)

Gene: RYR2 (ryanodine receptor 2; plus strand). Cytogenetic location: 1q43.
Variant type: single nucleotide variant.
Coding change: c.6606C>T on transcript NM_001035.3 (MANE Select); coding-DNA position 6606, C replaced by T.
Protein change: p.Tyr2202=; no amino-acid change (tyrosine 2202 retained).
Molecular consequence: synonymous variant.
Genome position (GRCh38, 1-based): chr1:237,633,628, C>T. VCF-style: chr1-237633628-C-T. GRCh37 (hg19) VCF-style: chr1-237796928-C-T.
Other names: c.6606C>T, p.Tyr2202= (LRG_402t1).
Identifiers: ClinVar variation 516600 (VCV000516600.12), dbSNP rs1270857666, ClinGen allele CA423818260.

ClinVar aggregate classification (germline): Conflicting classifications of pathogenicity. Review status: criteria provided, conflicting classifications (1 of 4 stars). 4 submissions from 4 submitters: Uncertain significance (1); Likely benign (3). Last evaluated 2025-02-18.

Conditions:
Cardiovascular phenotype. Identifiers: MedGen CN230736.
Catecholaminergic polymorphic ventricular tachycardia 1. Also called: VENTRICULAR TACHYCARDIA, CATECHOLAMINERGIC POLYMORPHIC, 1, WITH OR WITHOUT ATRIAL DYSFUNCTION AND/OR DILATED CARDIOMYOPATHY; VENTRICULAR TACHYCARDIA, STRESS-INDUCED POLYMORPHIC 1; RYR2-Related Catecholaminergic Polymorphic Ventricular Tachycardia. Identifiers: Orphanet 3286, MedGen C1631597, MONDO:0011484, OMIM 604772.

Allele frequency attached by ClinVar (database versions not stated): gnomAD exomes below 0.00001; gnomAD 0.00001; TOPMed 0.00002.
gnomAD v4.1: 3 of 1,613,848 alleles (0.00019%); highest among the groups gnomAD compares: African/African-American, 0.004%; no homozygotes.

Submissions (4):

Ambry Genetics
Classification: Uncertain significance for Cardiovascular phenotype. Last evaluated: 2025-02-18. Review status: criteria provided, single submitter. Criteria: Ambry Variant Classification Scheme 2023. Collection method: clinical testing. Allele origin: germline.
Comment: The c.6606C>T variant (also known as p.Y2202Y), located in coding exon 43 of the RYR2 gene, results from a C to T substitution at nucleotide position 6606. This nucleotide substitution does not change the amino acid at codon 2202. This nucleotide position is not well conserved in available vertebrate species. In silico splice site analysis for this alteration is inconclusive. Based on the available evidence, the clinical significance of this variant remains unclear.

Labcorp Genetics (formerly Invitae), Labcorp
Classification: Likely benign for Catecholaminergic polymorphic ventricular tachycardia 1. Last evaluated: 2024-08-06. Review status: criteria provided, single submitter. Criteria: Invitae Variant Classification Sherloc (09022015). Collection method: clinical testing. Allele origin: germline.

Blueprint Genetics
Classification: Likely benign. Last evaluated: 2023-04-27. Review status: criteria provided, single submitter. Criteria: ACMG Guidelines, 2015. Collection method: clinical testing. Allele origin: germline.

GeneDx
Classification: Likely benign. Last evaluated: 2017-09-29. Review status: criteria provided, single submitter. Criteria: GeneDx Variant Classification (06012015). Collection method: clinical testing. Allele origin: germline. Affected: yes.
Comment: This variant is considered likely benign or benign based on one or more of the following criteria: it is a conservative change, it occurs at a poorly conserved position in the protein, it is predicted to be benign by multiple in silico algorithms, and/or has population frequency not consistent with disease.